The following is an entry in ClinVar:

ClinVar aggregate classification (germline): Uncertain significance (1 of 4 stars; one submission).

Submission:

Labcorp Genetics (formerly Invitae), Labcorp
Classification: Uncertain significance. Last evaluated: 2022-08-20. Review status: criteria provided, single submitter. Criteria: Invitae Variant Classification Sherloc (09022015). Collection method: clinical testing. Allele origin: germline.
Comment: This variant is not present in population databases (gnomAD no frequency). This sequence change replaces lysine, which is basic and polar, with methionine, which is neutral and non-polar, at codon 1295 of the RP1 protein (p.Lys1295Met). This variant has not been reported in the literature in individuals affected with RP1-related conditions. In summary, the available evidence is currently insufficient to determine the role of this variant in disease. Therefore, it has been classified as a Variant of Uncertain Significance. Algorithms developed to predict the effect of missense changes on protein structure and function are either unavailable or do not agree on the potential impact of this missense change (SIFT: "Deleterious"; PolyPhen-2: "Benign"; Align-GVGD: "Class C0").

NM_006269.2(RP1):c.3884A>T (p.Lys1295Met)

Gene: RP1 (RP1 axonemal microtubule associated; plus strand). Cytogenetic location: 8q12.1.
Variant type: single nucleotide variant.
Coding change: c.3884A>T on transcript NM_006269.2 (MANE Select); coding-DNA position 3884, A replaced by T.
Protein change: p.Lys1295Met; replaces lysine 1295 with methionine.
Molecular consequence: missense variant. On other transcripts: intron variant (1).
Genome position (GRCh38, 1-based): chr8:54,627,766, A>T. VCF-style: chr8-54627766-A-T. GRCh37 (hg19) VCF-style: chr8-55540326-A-T.
Other names: c.787+5478A>T (NM_001375654.1); short protein forms K1295M.
Identifiers: ClinVar variation 1717042 (VCV001717042.5), dbSNP rs2536581645, ClinGen allele CA370997488.